The following is an entry in ClinVar:

NM_172245.4(CSF2RA):c.774_780+10dup

Gene: CSF2RA (colony stimulating factor 2 receptor subunit alpha; plus strand). Cytogenetic location: Xp22.33.
Variant type: Duplication.
Coding change: c.774_780+10dup on transcript NM_172245.4 (MANE Select); coding-DNA position 774 through 10 bases into the intron after coding-DNA position 780, 17 bases duplicated (CAGAAAGGTCGGTGAGA).
Molecular consequence: splice donor variant. On other transcripts: intron variant (1).
Genome position (GRCh38, 1-based): chrX:1,294,455-1,294,471, CAGAAAGGTCGGTGAGA duplicated; duplicating any 17 consecutive bases within chrX:1,294,454-1,294,471 gives the same sequence; the c. name uses the placement nearest the transcript's 3' end. VCF-style (leftmost placement, unchanged base first): chrX-1294453-C-CACAGAAAGGTCGGTGAG. GRCh37 (hg19) VCF-style: chrX-1413346-C-CACAGAAAGGTCGGTGAG.
Other names: NC_000023.10:g.1413348_1413364dup; c.774_780+10dup (NM_172247.3, NM_001379160.1, NM_001379158.1 and 18 more transcripts); c.755_761+10dup (NM_001379166.1); c.375_381+10dup (NM_001161532.2); c.646+3946_646+3962dup (NM_172249.4).
Identifiers: ClinVar variation 469626 (VCV000469626.11), dbSNP rs377345813, ClinGen allele CA10330972.
Genomic context (GRCh38, chrX:1,294,453, plus strand): 5'-AAACAGCCCAGGACCTATCAGAAGCTGTCGTACCTGGACTTTCAGTACCAGCTGGACGTC[C>CACAGAAAGGTCGGTGAG]ACAGAAAGGTCGGTGAGAGCTCCCCGGGGCTGGGCACCAGGAGGGAGGCGTACGGGACAC-3'

ClinVar aggregate classification (germline): Benign/Likely benign. Review status: criteria provided, multiple submitters, no conflicts (2 of 4 stars). 3 submissions from 3 submitters: Benign (2); Likely benign (1). Last evaluated 2026-01-25.

Conditions:
Surfactant metabolism dysfunction, pulmonary, 4 (SMDP4). Also called: CSF2RA DEFICIENCY; PAP DUE TO CSF2RA DEFICIENCY; PULMONARY ALVEOLAR PROTEINOSIS, CONGENITAL, 4. Identifiers: Orphanet 264675, MedGen C2677877, MONDO:0010424, OMIM 300770.

Submissions (4):

Labcorp Genetics (formerly Invitae), Labcorp
Classification: Benign for Surfactant metabolism dysfunction, pulmonary, 4. Last evaluated: 2026-01-25. Review status: criteria provided, single submitter. Criteria: Invitae Variant Classification Sherloc (09022015). Collection method: clinical testing. Allele origin: germline.

Eurofins Ntd Llc (ga)
Classification: Likely benign. Last evaluated: 2018-05-05. Review status: criteria provided, single submitter. Criteria: EGL ClinVar v180209 classification definitions. Collection method: clinical testing. Allele origin: germline.

Laboratory for Molecular Medicine, Mass General Brigham Personalized Medicine
Classification: Benign. Last evaluated: 2017-11-02. Review status: criteria provided, single submitter. Criteria: LMM Criteria. Collection method: clinical testing. Allele origin: germline. Observed: 1 variant allele.
Comment: c.774_780+10dup in intron 9 of CSF2RA: This variant is not expected to have clin ical significance because it has been identified in 4.1% (976/24018) of African chromosomes by the Genome Aggregation Database (gnomAD; dbSNP rs770360117), including 19 homozygous individuals. ACMG/AMP Crit eria applied: BA1.

Dr. Peter K. Rogan Lab, Western University
No classification provided (evidence only). Condition: Clear cell carcinoma of kidney. Review status: no classification provided. Collection method: in vitro. Allele origin: not applicable. Functional consequence: retained intron. Not counted in ClinVar's aggregate classification.